The following is an entry in ClinVar:

ClinVar aggregate classification (germline): Likely benign. Review status: criteria provided, multiple submitters, no conflicts (2 of 4 stars). 2 submissions from 2 submitters: Likely benign (2). Last evaluated 2025-08-01.

Submissions (2):

CeGaT Center for Human Genetics Tuebingen
Classification: Likely benign. Last evaluated: 2025-08-01. Review status: criteria provided, single submitter. Criteria: CeGaT Center For Human Genetics Tuebingen Variant Classification Criteria Version 2. Collection method: clinical testing. Allele origin: germline. Affected: yes. Observed: 1 variant allele.
Comment: SMARCB1: PM2:Supporting, BP4, BP7

Labcorp Genetics (formerly Invitae), Labcorp
Classification: Likely benign. Last evaluated: 2022-11-07. Review status: criteria provided, single submitter. Criteria: Invitae Variant Classification Sherloc (09022015). Collection method: clinical testing. Allele origin: germline.

NM_003073.5(SMARCB1):c.945C>T (p.Ile315=)

Gene: SMARCB1 (SWI/SNF related BAF chromatin remodeling complex subunit B1; plus strand). Cytogenetic location: 22q11.23.
Variant type: single nucleotide variant.
Coding change: c.945C>T on transcript NM_003073.5 (MANE Select); coding-DNA position 945, C replaced by T.
Protein change: p.Ile315=; no amino-acid change (isoleucine 315 retained).
Molecular consequence: synonymous variant.
Genome position (GRCh38, 1-based): chr22:23,825,374, C>T. VCF-style: chr22-23825374-C-T. GRCh37 (hg19) VCF-style: chr22-24167561-C-T.
Other names: c.918C>T, p.Ile306= (NM_001007468.3); c.972C>T, p.Ile324= (NM_001317946.2); c.999C>T, p.Ile333= (NM_001362877.2).
Identifiers: ClinVar variation 2812500 (VCV002812500.11), dbSNP rs2517724815, ClinGen allele CA513739022.
Genomic context (GRCh38, chr22:23,825,374, plus strand): 5'-GAAGCTGTGCTCGGAGCTGGGGTTGGGCGGGGAGTTTGTCACCACCATCGCATACAGCAT[C>T]CGGGGACAGCTGAGCTGGCATCAGAAGACCTACGCCTTCAGGTAGGATCATGCATGAGTC-3'
Protein context (NP_003064.2, residues 305-325): GEFVTTIAYS[Ile315=]RGQLSWHQKT